The following is an entry in ClinVar:

NM_000969.5(RPL5):c.153del (p.Met51fs)

Genes: DIPK1A (divergent protein kinase domain 1A; minus strand), RPL5 (ribosomal protein L5; plus strand). Cytogenetic location: 1p22.1.
Variant type: Deletion.
Coding change: c.153del on transcript NM_000969.5 (MANE Select); coding-DNA position 153, one base deleted (G; older notation c.153delG).
Protein change: p.Met51fs; shifts the reading frame from methionine 51.
Molecular consequence: frameshift variant. On other transcripts: non-coding transcript variant (1), intron variant (1).
Genome position (GRCh38, 1-based): chr1:92,833,624, G deleted. VCF-style (leftmost placement, unchanged base first): chr1-92833623-TG-T. GRCh37 (hg19) VCF-style: chr1-93299180-TG-T.
Other names: c.475-590del (NM_001252273.2); short protein forms M51fs.
Identifiers: ClinVar variation 1074389 (VCV001074389.7), dbSNP rs2100677043, ClinGen allele CA2499214872.

ClinVar aggregate classification (germline): Pathogenic (1 of 4 stars; one submission).

Conditions:
Diamond-Blackfan anemia. Also called: Blackfan Diamond syndrome; Aregenerative anemia chronic congenital; Red cell aplasia, pure hereditary; Congenital hypoplastic anemia; Aase syndrome. Identifiers: Orphanet 124, MedGen C1260899, MeSH D029503, MONDO:0015253, HP:0004810.

Submission:

Labcorp Genetics (formerly Invitae), Labcorp
Classification: Pathogenic for Diamond-Blackfan anemia. Last evaluated: 2020-07-22. Review status: criteria provided, single submitter. Criteria: Invitae Variant Classification Sherloc (09022015). Collection method: clinical testing. Allele origin: germline.
Comment: This variant is not present in population databases (ExAC no frequency). This variant has not been reported in the literature in individuals with RPL5-related conditions. Loss-of-function variants in RPL5 are known to be pathogenic (PMID: 19061985, 19773262). For these reasons, this variant has been classified as Pathogenic. This sequence change creates a premature translational stop signal (p.Met51Ilefs*2) in the RPL5 gene. It is expected to result in an absent or disrupted protein product.

Literature cited by the submitters: PubMed 19061985; PubMed 19773262.